The following is an entry in ClinVar:

ClinVar aggregate classification (germline): Likely benign (1 of 4 stars; one submission).

gnomAD v4.1: 1 of 1,207,273 alleles (0.000083%); highest among the groups gnomAD compares: South Asian, 0.0018%; no homozygotes.

Submission:

CeGaT Center for Human Genetics Tuebingen
Classification: Likely benign. Last evaluated: 2026-08-01. Review status: criteria provided, single submitter. Criteria: CeGaT Center For Human Genetics Tuebingen Variant Classification Criteria Version 2. Collection method: clinical testing. Allele origin: germline. Affected: yes. Observed: 1 variant allele.
Comment: PAK3: BP4, BP7

NM_002578.5(PAK3):c.558G>A (p.Glu186=)

Gene: PAK3 (p21 (RAC1) activated kinase 3; plus strand). Cytogenetic location: Xq23.
Variant type: single nucleotide variant.
Coding change: c.558G>A on transcript NM_002578.5 (MANE Select); coding-DNA position 558, G replaced by A.
Protein change: p.Glu186=; no amino-acid change (glutamic acid 186 retained).
Molecular consequence: synonymous variant. On other transcripts: non-coding transcript variant (2).
Genome position (GRCh38, 1-based): chrX:111,163,004, G>A. VCF-style: chrX-111163004-G-A. GRCh37 (hg19) VCF-style: chrX-110406232-G-A.
Other names: c.558G>A, p.Glu186= (NM_001128166.3, NM_001128167.3, NM_001324325.2 and 5 more transcripts); c.666G>A, p.Glu222= (NM_001128168.3); c.621G>A, p.Glu207= (NM_001128172.2); c.603G>A, p.Glu201= (NM_001128173.3, NM_001324327.2, NM_001324328.2 and 2 more transcripts).
Identifiers: ClinVar variation 5039649 (VCV005039649.1).